The following is an entry in ClinVar:

NM_001377.3(DYNC2H1):c.12575del (p.Gly4192fs)

Gene: DYNC2H1 (dynein cytoplasmic 2 heavy chain 1; plus strand). Cytogenetic location: 11q22.3.
Variant type: Deletion.
Coding change: c.12575del on transcript NM_001377.3 (MANE Select); coding-DNA position 12575, one base deleted (G; older notation c.12575delG).
Protein change: p.Gly4192fs; shifts the reading frame from glycine 4192.
Molecular consequence: frameshift variant.
Genome position (GRCh38, 1-based): chr11:103,456,283, G deleted; the last of 3 consecutive G bases (chr11:103,456,281-103,456,283); deleting any one gives the same sequence. VCF-style (leftmost placement, unchanged base first): chr11-103456280-TG-T. GRCh37 (hg19) VCF-style: chr11-103327008-TG-T.
Other names: c.12596del, p.Gly4199fs (NM_001080463.2); short protein forms G4199fs, G4192fs.
Identifiers: ClinVar variation 3598914 (VCV003598914.2).

ClinVar aggregate classification (germline): Pathogenic/Likely pathogenic. Review status: criteria provided, multiple submitters, no conflicts (2 of 4 stars). 2 submissions from 2 submitters: Pathogenic (1); Likely pathogenic (1). Last evaluated 2026-04-30.

Conditions:
Asphyxiating thoracic dystrophy 3. Also called: Short rib polydactyly syndrome 2B; SHORT-RIB THORACIC DYSPLASIA 3 WITH OR WITHOUT POLYDACTYLY; POLYDACTYLY WITH NEONATAL CHONDRODYSTROPHY, TYPE I; SHORT-RIB THORACIC DYSPLASIA 3/6 WITH POLYDACTYLY, DIGENIC; Saldino-Noonan Syndrome. Identifiers: Orphanet 474, Orphanet 93269, Orphanet 93270, Orphanet 93271, MedGen C0036069, MONDO:0013127, OMIM 613091.

Submissions (2):

Myriad Genetics, Inc.
Classification: Pathogenic for Asphyxiating thoracic dystrophy 3. Last evaluated: 2026-04-30. Review status: criteria provided, single submitter. Criteria: Myriad Autosomal Dominant, Autosomal Recessive and X-Linked Classification Criteria (2023). Collection method: clinical testing. Allele origin: unknown.
Comment: NM_001377.2(DYNC2H1):c.12575delG(G4192Vfs*10) is expected to be pathogenic in the context of DYNC2H1-related disorders. This variant is predicted to lead to an abnormal or absent protein product due to the creation of a premature termination codon in DYNC2H1, a gene where loss-of-function variants are known to be pathogenic. Please note: this variant was assessed in the context of healthy population screening.

Fulgent Genetics
Classification: Likely pathogenic for Asphyxiating thoracic dystrophy 3. Last evaluated: 2024-04-19. Review status: criteria provided, single submitter. Criteria: ACMG Guidelines, 2015. Collection method: clinical testing. Allele origin: germline.